The following is an entry in ClinVar:

NM_000093.5(COL5A1):c.4057C>T (p.Pro1353Ser)

Gene: COL5A1 (collagen type V alpha 1 chain; plus strand). Cytogenetic location: 9q34.3.
Variant type: single nucleotide variant.
Coding change: c.4057C>T on transcript NM_000093.5 (MANE Select); coding-DNA position 4057, C replaced by T.
Protein change: p.Pro1353Ser; replaces proline 1353 with serine.
Molecular consequence: missense variant.
Genome position (GRCh38, 1-based): chr9:134,815,618, C>T. VCF-style: chr9-134815618-C-T. GRCh37 (hg19) VCF-style: chr9-137707464-C-T.
Other names: c.4057C>T, p.Pro1353Ser (NM_001278074.1); short protein forms P1353S.
Identifiers: ClinVar variation 4869240 (VCV004869240.1).

ClinVar aggregate classification (germline): Uncertain significance (1 of 4 stars; one submission).

Conditions:
Familial thoracic aortic aneurysm and aortic dissection (TAAD). Also called: Thoracic aortic aneurysms and dissections. Identifiers: Orphanet 91387, MedGen C4707243, MONDO:0019625.

gnomAD v4.1: 1 of 1,613,754 alleles (0.000062%); no homozygotes.

Submission:

Ambry Genetics
Classification: Uncertain significance for Familial thoracic aortic aneurysm and aortic dissection. Last evaluated: 2026-04-12. Review status: criteria provided, single submitter. Criteria: Ambry Variant Classification Scheme 2023. Collection method: clinical testing. Allele origin: germline.
Comment: The p.P1353S variant (also known as c.4057C>T), located in coding exon 51 of the COL5A1 gene, results from a C to T substitution at nucleotide position 4057. The proline at codon 1353 is replaced by serine, an amino acid with similar properties. This amino acid position is conserved. In addition, the in silico prediction for this alteration is inconclusive. Based on the available evidence, the clinical significance of this variant remains unclear.